The following is an entry in ClinVar:

NM_016729.3(FOLR1):c.503A>G (p.Lys168Arg)

Genes: FOLR1 (folate receptor alpha; plus strand), FOLR1-AS1 (FOLR1 antisense RNA 1; minus strand). Cytogenetic location: 11q13.4.
Variant type: single nucleotide variant.
Coding change: c.503A>G on transcript NM_016729.3 (MANE Select); coding-DNA position 503, A replaced by G.
Protein change: p.Lys168Arg; replaces lysine 168 with arginine.
Molecular consequence: missense variant.
Genome position (GRCh38, 1-based): chr11:72,195,906, A>G. VCF-style: chr11-72195906-A-G. GRCh37 (hg19) VCF-style: chr11-71906950-A-G.
Other names: c.503A>G, p.Lys168Arg (NM_000802.3, NM_016724.3, NM_016725.3); short protein forms K168R.
Identifiers: ClinVar variation 648824 (VCV000648824.6), dbSNP rs1591246700, ClinGen allele CA381734017.

ClinVar aggregate classification (germline): Uncertain significance (1 of 4 stars; one submission).

Conditions:
Cerebral folate transport deficiency. Also called: FOLR1-Related Cerebral Folate Transport Deficiency; NEURODEGENERATION DUE TO CEREBRAL FOLATE TRANSPORT DEFICIENCY; Neurodegenerative syndrome due to cerebral folate transport deficiency; FOLATE RECEPTOR DEFICIENCY; Cerebral folate deficiency syndrome. Identifiers: Orphanet 217382, MedGen C2751584, MONDO:0013110, OMIM 613068. Disease mechanism: loss of function.

Allele frequency attached by ClinVar (database versions not stated): TOPMed below 0.00001.

Submission:

Labcorp Genetics (formerly Invitae), Labcorp
Classification: Uncertain significance for Cerebral folate transport deficiency. Last evaluated: 2022-04-18. Review status: criteria provided, single submitter. Criteria: Invitae Variant Classification Sherloc (09022015). Collection method: clinical testing. Allele origin: germline.
Comment: This sequence change replaces lysine, which is basic and polar, with arginine, which is basic and polar, at codon 168 of the FOLR1 protein (p.Lys168Arg). This variant is not present in population databases (gnomAD no frequency). This variant has not been reported in the literature in individuals affected with FOLR1-related conditions. ClinVar contains an entry for this variant (Variation ID: 648824). Algorithms developed to predict the effect of missense changes on protein structure and function output the following: SIFT: "Tolerated"; PolyPhen-2: "Benign"; Align-GVGD: "Class C0". The arginine amino acid residue is found in multiple mammalian species, which suggests that this missense change does not adversely affect protein function. Algorithms developed to predict the effect of sequence changes on RNA splicing suggest that this variant may create or strengthen a splice site. In summary, the available evidence is currently insufficient to determine the role of this variant in disease. Therefore, it has been classified as a Variant of Uncertain Significance.